The following is an entry in ClinVar:

ClinVar aggregate classification (germline): Likely pathogenic (1 of 4 stars; one submission).

Conditions:
Abetalipoproteinaemia (ABL). Also called: Abetalipoproteinemia; Abetalipoproteinemia neuropathy; Apolipoprotein B deficiency; Congenital betalipoprotein deficiency syndrome; MTP DEFICIENCY. Identifiers: Orphanet 14, MedGen C0000744, MONDO:0008692, OMIM 200100, HP:0008181.

Submission:

Department of Human Genetics, Hannover Medical School
Classification: Likely pathogenic for Abetalipoproteinaemia. Last evaluated: 2023-02-20. Review status: criteria provided, single submitter. Criteria: ACMG Guidelines, 2015. Collection method: clinical testing. Allele origin: germline. Inheritance: Autosomal recessive inheritance. Affected: yes.
Comment: This variant in the MTTP gene was detected in homozygous form. The change leads to a premature stop signal, which most likely leads to degradation of the formed mRNA via nonsense-mediated mRNA decay (NMD) and/or the expression of a truncated protein. The variant has not yet been detected in the normal population (population database gnomAD). There are currently no literature data available.

NM_001386140.1(MTTP):c.75dup (p.Leu26fs)

Gene: MTTP (microsomal triglyceride transfer protein; plus strand). Cytogenetic location: 4q23.
Variant type: Duplication.
Coding change: c.75dup on transcript NM_001386140.1 (MANE Select); coding-DNA position 75, one base duplicated (T; older notation c.75dupT).
Protein change: p.Leu26fs; shifts the reading frame from leucine 26.
Molecular consequence: frameshift variant. On other transcripts: 5 prime UTR variant (1).
Genome position (GRCh38, 1-based): chr4:99,581,918, T duplicated. VCF-style (leftmost placement, unchanged base first): chr4-99581917-G-GT. GRCh37 (hg19) VCF-style: chr4-100503074-G-GT.
Other names: c.75dup, p.Leu26fs (NM_000253.4); c.-175dup (NM_001300785.2); short protein forms L26fs.
Identifiers: ClinVar variation 2430126 (VCV002430126.1), dbSNP rs2476086631, ClinGen allele CA2580071881.